The following is an entry in ClinVar:

ClinVar aggregate classification (germline): Conflicting classifications of pathogenicity. Review status: criteria provided, conflicting classifications (1 of 4 stars). 3 submissions from 3 submitters: Uncertain significance (1); Likely benign (2). Last evaluated 2026-04-03.

Conditions:
Inborn genetic diseases. Identifiers: MedGen C0950123, MeSH D030342.

Submissions (3):

GeneDx
Classification: Uncertain significance. Last evaluated: 2026-04-03. Review status: criteria provided, single submitter. Criteria: GeneDx Variant Classification Process June 2021. Collection method: clinical testing. Allele origin: germline.
Comment: In-frame duplication of 5 amino acid(s) in a repetitive region with no known function; Has not been previously published as pathogenic or benign to our knowledge

Labcorp Genetics (formerly Invitae), Labcorp
Classification: Likely benign. Last evaluated: 2025-12-29. Review status: criteria provided, single submitter. Criteria: Invitae Variant Classification Sherloc (09022015). Collection method: clinical testing. Allele origin: germline.

Ambry Genetics
Classification: Likely benign for Inborn genetic diseases. Last evaluated: 2022-04-09. Review status: criteria provided, single submitter. Criteria: Ambry Variant Classification Scheme 2023. Collection method: clinical testing. Allele origin: germline.

NM_001190274.2(FBXO11):c.105GCCCCAGCAGCAGCC[3] (p.37QQQPP[3])

Genes: FBXO11 (F-box protein 11; minus strand), LOC100506235 (uncharacterized LOC100506235; plus strand). Cytogenetic location: 2p16.3.
Variant type: Microsatellite.
Coding change: c.105GCCCCAGCAGCAGCC[3] on transcript NM_001190274.2 (MANE Select); three copies in a row of the 15-base unit GCCCCAGCAGCAGCC starting at c.105; the reference has two copies in a row; one copy, 15 bases duplicated; also written c.120_134dup.
Protein change: p.37QQQPP[3].
Molecular consequence: inframe insertion.
Genome position (GRCh38, 1-based): chr2:47,905,587-47,905,601, GGCTGCTGCTGGGGC duplicated on the plus strand (GCCCCAGCAGCAGCC on the coding strand, the reverse complement: FBXO11 is on the minus strand); duplicating any 15 consecutive bases within chr2:47,905,587-47,905,622 gives the same sequence; the position shown is the placement nearest the transcript's 3' end. VCF-style (leftmost placement, unchanged base first): chr2-47905586-A-AGGCTGCTGCTGGGGC. GRCh37 (hg19) VCF-style: chr2-48132725-A-AGGCTGCTGCTGGGGC.
Other names: c.120_134dupGCCCCAGCAGCAGCC (NM_001190274.1); c.120_134dup (NM_001190274.1).
Identifiers: ClinVar variation 1532921 (VCV001532921.10), dbSNP rs747252806, ClinGen allele CA532707590.